The following is an entry in ClinVar:

NM_002693.3(POLG):c.3649G>C (p.Ala1217Pro)

Genes: FANCI (FA complementation group I; plus strand), POLG (DNA polymerase gamma, catalytic subunit; minus strand). Cytogenetic location: 15q26.1.
Variant type: single nucleotide variant.
Coding change: c.3649G>C on transcript NM_002693.3 (MANE Select); coding-DNA position 3649, G replaced by C.
Protein change: p.Ala1217Pro; replaces alanine 1217 with proline.
Molecular consequence: missense variant. On other transcripts: 3 prime UTR variant (4).
Genome position (GRCh38, 1-based): chr15:89,316,822, C>G on the plus strand (G>C on the coding strand, the complement: POLG is on the minus strand). VCF-style: chr15-89316822-C-G. GRCh37 (hg19) VCF-style: chr15-89860053-C-G.
Other names: c.3649G>C, p.Ala1217Pro (NM_001126131.2); c.*363C>G (NM_001113378.2, NM_001376910.1, NM_001376911.1 and 1 more transcripts); short protein forms A1217P.
Identifiers: ClinVar variation 1427545 (VCV001427545.9), dbSNP rs569063066, ClinGen allele CA7724045.

ClinVar aggregate classification (germline): Uncertain significance. Review status: criteria provided, multiple submitters, no conflicts (2 of 4 stars). 2 submissions from 2 submitters: Uncertain significance (2). Last evaluated 2023-10-13.

Conditions:
Progressive sclerosing poliodystrophy (MTDPS4A). Also called: ALPERS PROGRESSIVE INFANTILE POLIODYSTROPHY; NEURONAL DEGENERATION OF CHILDHOOD WITH LIVER DISEASE, PROGRESSIVE; Alpers Syndrome; ALPERS DIFFUSE DEGENERATION OF CEREBRAL GRAY MATTER WITH HEPATIC CIRRHOSIS; Alpers-Huttenlocher Syndrome; Mitochondrial DNA depletion syndrome 4A (Alpers type). Identifiers: Orphanet 726, MedGen C0205710, MONDO:0008758, OMIM 203700.

Allele frequency attached by ClinVar (database versions not stated): gnomAD exomes below 0.00001 and 0.00001; ExAC 0.00001; gnomAD 0.00003 and 0.00004.
gnomAD v4.1: 12 of 1,613,156 alleles (0.00074%); highest among the groups gnomAD compares: Non-Finnish European, 0.00093%; no homozygotes.

Submissions (2):

Labcorp Genetics (formerly Invitae), Labcorp
Classification: Uncertain significance for Progressive sclerosing poliodystrophy. Last evaluated: 2023-10-13. Review status: criteria provided, single submitter. Criteria: Invitae Variant Classification Sherloc (09022015). Collection method: clinical testing. Allele origin: germline.
Comment: This sequence change replaces alanine, which is neutral and non-polar, with proline, which is neutral and non-polar, at codon 1217 of the POLG protein (p.Ala1217Pro). This variant is present in population databases (rs569063066, gnomAD 0.005%). This missense change has been observed in individual(s) with autosomal dominant POLG-related conditions (PMID: 30634555, 33486010). ClinVar contains an entry for this variant (Variation ID: 1427545). Advanced modeling of protein sequence and biophysical properties (such as structural, functional, and spatial information, amino acid conservation, physicochemical variation, residue mobility, and thermodynamic stability) performed at Invitae indicates that this missense variant is expected to disrupt POLG protein function. In summary, the available evidence is currently insufficient to determine the role of this variant in disease. Therefore, it has been classified as a Variant of Uncertain Significance.

Women's Health and Genetics/Laboratory Corporation of America, LabCorp
Classification: Uncertain significance. Last evaluated: 2023-06-28. Review status: criteria provided, single submitter. Criteria: LabCorp Variant Classification Summary - May 2015. Collection method: clinical testing. Allele origin: germline.
Comment: Variant summary: POLG c.3649G>C (p.Ala1217Pro) results in a non-conservative amino acid change in the encoded protein sequence. Five of five in-silico tools predict a damaging effect of the variant on protein function. The variant allele was found at a frequency of 4e-06 in 251344 control chromosomes (gnomAD). The available data on variant occurrences in the general population are insufficient to allow any conclusion about variant significance. c.3649G>C has been reported in the literature in at least one compound heterozygous individual affected with features of Mitochondrial DNA Depletion Syndrome - POLG Related (e.g., Jou_2019, Gaudo_2020, Bychkov_2021). These data do not allow any conclusion about variant significance. To our knowledge, no experimental evidence demonstrating an impact on protein function has been reported. The following publications have been ascertained in the context of this evaluation (PMID: 33486010, 31655921, 30634555). One submitter has reported clinical-significance assessments for this variant to ClinVar after 2014 and has classified the variant as uncertain significance. Based on the evidence outlined above, the variant was classified as uncertain significance.

Literature cited by the submitters: PubMed 30634555 (cited by Labcorp Genetics (formerly Invitae), Labcorp and Women's Health and Genetics/Laboratory Corporation of America, LabCorp); PubMed 33486010 (cited by Labcorp Genetics (formerly Invitae), Labcorp and Women's Health and Genetics/Laboratory Corporation of America, LabCorp); PubMed 31655921 (cited by Women's Health and Genetics/Laboratory Corporation of America, LabCorp).